The following is an entry in ClinVar:

ClinVar aggregate classification (germline): Conflicting classifications of pathogenicity. Review status: criteria provided, conflicting classifications (1 of 4 stars). 2 submissions from 2 submitters: Uncertain significance (1); Likely benign (1). Last evaluated 2025-04-18.

Conditions:
Mucopolysaccharidosis, MPS-II (MPS2). Also called: Attenuated MPS (subtype; formerly known as mild MPS II); Severe MPS II; I2S deficiency; MPS 2; Hunter Syndrome; IDURONATE 2-SULFATASE DEFICIENCY. Identifiers: Orphanet 580, Orphanet 79388, MedGen C0026705, MONDO:0010674, OMIM 309900.
Inborn genetic diseases. Identifiers: MedGen C0950123, MeSH D030342.

gnomAD v4.1: 3 of 1,212,124 alleles (0.00025%); highest among the groups gnomAD compares: East Asian, 0.0059%; no homozygotes.

Submissions (2):

Ambry Genetics
Classification: Likely benign for Inborn genetic diseases. Last evaluated: 2025-04-18. Review status: criteria provided, single submitter. Criteria: Ambry Variant Classification Scheme 2023. Collection method: clinical testing. Allele origin: germline.

Labcorp Genetics (formerly Invitae), Labcorp
Classification: Uncertain significance for Mucopolysaccharidosis, MPS-II. Last evaluated: 2024-12-15. Review status: criteria provided, single submitter. Criteria: Invitae Variant Classification Sherloc (09022015). Collection method: clinical testing. Allele origin: germline.
Comment: This sequence change replaces methionine, which is neutral and non-polar, with threonine, which is neutral and polar, at codon 535 of the IDS protein (p.Met535Thr). This variant is present in population databases (rs782166680, gnomAD 0.02%). This variant has not been reported in the literature in individuals affected with IDS-related conditions. Invitae Evidence Modeling of protein sequence and biophysical properties (such as structural, functional, and spatial information, amino acid conservation, physicochemical variation, residue mobility, and thermodynamic stability) indicates that this missense variant is not expected to disrupt IDS protein function with a negative predictive value of 80%. In summary, the available evidence is currently insufficient to determine the role of this variant in disease. Therefore, it has been classified as a Variant of Uncertain Significance.

NM_000202.8(IDS):c.1604T>C (p.Met535Thr)

Gene: IDS (iduronate 2-sulfatase; minus strand). Cytogenetic location: Xq28.
Variant type: single nucleotide variant.
Coding change: c.1604T>C on transcript NM_000202.8 (MANE Select); coding-DNA position 1604, T replaced by C.
Protein change: p.Met535Thr; replaces methionine 535 with threonine.
Molecular consequence: missense variant.
Genome position (GRCh38, 1-based): chrX:149,482,795, A>G on the plus strand (T>C on the coding strand, the complement: IDS is on the minus strand). VCF-style: chrX-149482795-A-G. GRCh37 (hg19) VCF-style: chrX-148564326-A-G.
Other names: c.1334T>C, p.Met445Thr (NM_001166550.4); c.1604T>C (NM_000202.5); short protein forms M445T, M535T.
Identifiers: ClinVar variation 3711226 (VCV003711226.3).